The following is an entry in ClinVar:

ClinVar aggregate classification (germline): Uncertain significance. Review status: criteria provided, multiple submitters, no conflicts (2 of 4 stars). 2 submissions from 2 submitters: Uncertain significance (2). Last evaluated 2025-12-16.

Conditions:
Inborn genetic diseases. Identifiers: MedGen C0950123, MeSH D030342.

gnomAD v4.1: 1 of 1,614,102 alleles (0.000062%); highest among the groups gnomAD compares: Non-Finnish European, 0.000085%; no homozygotes.

Submissions (2):

Ambry Genetics
Classification: Uncertain significance for Inborn genetic diseases. Last evaluated: 2025-12-16. Review status: criteria provided, single submitter. Criteria: Ambry Variant Classification Scheme 2023. Collection method: clinical testing. Allele origin: germline.

GeneDx
Classification: Uncertain significance. Last evaluated: 2024-10-28. Review status: criteria provided, single submitter. Criteria: GeneDx Variant Classification Process June 2021. Collection method: clinical testing. Allele origin: germline. Affected: yes.
Comment: In silico analysis supports that this missense variant has a deleterious effect on protein structure/function; Has not been previously published as pathogenic or benign to our knowledge

NM_002968.3(SALL1):c.617C>A (p.Ala206Glu)

Gene: SALL1 (spalt like transcription factor 1; minus strand). Cytogenetic location: 16q12.1.
Variant type: single nucleotide variant.
Coding change: c.617C>A on transcript NM_002968.3 (MANE Select); coding-DNA position 617, C replaced by A.
Protein change: p.Ala206Glu; replaces alanine 206 with glutamic acid.
Molecular consequence: missense variant.
Genome position (GRCh38, 1-based): chr16:51,141,605, G>T on the plus strand (C>A on the coding strand, the complement: SALL1 is on the minus strand). VCF-style: chr16-51141605-G-T. GRCh37 (hg19) VCF-style: chr16-51175516-G-T.
Other names: c.326C>A, p.Ala109Glu (NM_001127892.2); short protein forms A109E, A206E.
Identifiers: ClinVar variation 3893395 (VCV003893395.2).